The following is an entry in ClinVar:

NM_024408.4(NOTCH2):c.6661G>C (p.Val2221Leu)

Gene: NOTCH2 (notch receptor 2; minus strand). Cytogenetic location: 1p12.
Variant type: single nucleotide variant.
Coding change: c.6661G>C on transcript NM_024408.4 (MANE Select); coding-DNA position 6661, G replaced by C.
Protein change: p.Val2221Leu; replaces valine 2221 with leucine.
Molecular consequence: missense variant.
Genome position (GRCh38, 1-based): chr1:119,916,061, C>G on the plus strand (G>C on the coding strand, the complement: NOTCH2 is on the minus strand). VCF-style: chr1-119916061-C-G. GRCh37 (hg19) VCF-style: chr1-120458684-C-G.
Other names: short protein forms V2221L.
Identifiers: ClinVar variation 1406703 (VCV001406703.4), dbSNP rs898248472, ClinGen allele CA30313572.
Genomic context (GRCh38, chr1:119,916,061, plus strand): 5'-AGCTTCCAGCACTGCCACTGCCTGGAGACACAATGTGGTGGTGGGATAGCAACTGGCTCA[C>G]TGAGGGAAGCACAGTGCTGGCCCCATGTGCCAAAGGCTGCATTTCATGAAGGTTAGAAAA-3'
Protein context (NP_077719.2, residues 2211-2231): AHGASTVLPS[Val2221Leu]SQLLSHHHIV

ClinVar aggregate classification (germline): Uncertain significance (1 of 4 stars; one submission).

Conditions:
Hajdu-Cheney syndrome (HJCYS). Also called: ACROOSTEOLYSIS WITH OSTEOPOROSIS AND CHANGES IN SKULL AND MANDIBLE; SERPENTINE FIBULA-POLYCYSTIC KIDNEY SYNDROME; Acroosteolysis dominant type. Identifiers: Orphanet 955, MedGen C0917715, MONDO:0007057, OMIM 102500.

Allele frequency attached by ClinVar (database versions not stated): gnomAD exomes 0.00001 and below 0.00001; TOPMed 0.00001.
gnomAD v4.1: 7 of 1,613,870 alleles (0.00043%); highest among the groups gnomAD compares: Non-Finnish European, 0.00059%; no homozygotes.

Submission:

Labcorp Genetics (formerly Invitae), Labcorp
Classification: Uncertain significance for Hajdu-Cheney syndrome. Last evaluated: 2022-11-28. Review status: criteria provided, single submitter. Criteria: Invitae Variant Classification Sherloc (09022015). Collection method: clinical testing. Allele origin: germline.
Comment: In summary, the available evidence is currently insufficient to determine the role of this variant in disease. Therefore, it has been classified as a Variant of Uncertain Significance. Advanced modeling of protein sequence and biophysical properties (such as structural, functional, and spatial information, amino acid conservation, physicochemical variation, residue mobility, and thermodynamic stability) performed at Invitae indicates that this missense variant is not expected to disrupt NOTCH2 protein function. ClinVar contains an entry for this variant (Variation ID: 1406703). This variant has not been reported in the literature in individuals affected with NOTCH2-related conditions. This variant is present in population databases (no rsID available, gnomAD 0.0009%). This sequence change replaces valine, which is neutral and non-polar, with leucine, which is neutral and non-polar, at codon 2221 of the NOTCH2 protein (p.Val2221Leu).